The following is an entry in ClinVar:

NM_133433.4(NIPBL):c.6343+4A>T

Gene: NIPBL (NIPBL cohesin loading factor; plus strand). Cytogenetic location: 5p13.2.
Variant type: single nucleotide variant.
Coding change: c.6343+4A>T on transcript NM_133433.4 (MANE Select); 4 bases into the intron after coding-DNA position 6343, A replaced by T.
Molecular consequence: intron variant.
Genome position (GRCh38, 1-based): chr5:37,044,733, A>T. VCF-style: chr5-37044733-A-T. GRCh37 (hg19) VCF-style: chr5-37044835-A-T.
Other names: c.6343+4A>T (NM_015384.5).
Identifiers: ClinVar variation 1011910 (VCV001011910.6), dbSNP rs1344872907, ClinGen allele CA1539617876.

ClinVar aggregate classification (germline): Uncertain significance (1 of 4 stars; one submission).

Conditions:
Cornelia de Lange syndrome 1 (CDLS1). Also called: TYPUS DEGENERATIVUS AMSTELODAMENSIS; Brachmann de Lange syndrome; NIPBL-Related Cornelia de Lange Syndrome. Identifiers: Orphanet 199, MedGen C4551851, MONDO:0007387, OMIM 122470.

Submission:

Labcorp Genetics (formerly Invitae), Labcorp
Classification: Uncertain significance for Cornelia de Lange syndrome 1. Last evaluated: 2020-04-30. Review status: criteria provided, single submitter. Criteria: Invitae Variant Classification Sherloc (09022015). Collection method: clinical testing. Allele origin: germline.
Comment: In summary, the available evidence is currently insufficient to determine the role of this variant in disease. Therefore, it has been classified as a Variant of Uncertain Significance. Nucleotide substitutions within the consensus splice site are a relatively common cause of aberrant splicing (PMID: 17576681, 9536098). Algorithms developed to predict the effect of sequence changes on RNA splicing suggest that this variant may disrupt the consensus splice site, but this prediction has not been confirmed by published transcriptional studies. This variant has not been reported in the literature in individuals with NIPBL-related conditions. This variant is not present in population databases (ExAC no frequency). This sequence change falls in intron 36 of the NIPBL gene. It does not directly change the encoded amino acid sequence of the NIPBL protein, but it affects a nucleotide within the consensus splice site of the intron.

Literature cited by the submitters: PubMed 17576681; PubMed 9536098.